The following is an entry in ClinVar:

NM_002528.7(NTHL1):c.797T>C (p.Leu266Pro)

Gene: NTHL1 (nth like DNA glycosylase 1; minus strand). Cytogenetic location: 16p13.3.
Variant type: single nucleotide variant.
Coding change: c.797T>C on transcript NM_002528.7 (MANE Select); coding-DNA position 797, T replaced by C.
Protein change: p.Leu266Pro; replaces leucine 266 with proline.
Molecular consequence: missense variant.
Genome position (GRCh38, 1-based): chr16:2,040,042, A>G on the plus strand (T>C on the coding strand, the complement: NTHL1 is on the minus strand). VCF-style: chr16-2040042-A-G. GRCh37 (hg19) VCF-style: chr16-2090043-A-G.
Other names: c.797T>C, p.Leu266Pro (LRG_1366t1); c.626T>C, p.Leu209Pro (NM_001318193.2); c.467T>C, p.Leu156Pro (NM_001318194.2); short protein forms L266P, L209P, L156P.
Identifiers: ClinVar variation 649703 (VCV000649703.14), dbSNP rs763770399, ClinGen allele CA7828093.
Genomic context (GRCh38, chr16:2,040,042, plus strand): 5'-TGCACAGGCAGACAGGTCTGCTGGCCGAAGCCCACCAAGAGTCCATTGATCTCGTGCCAC[A>G]GCTCCCTGTGGGGGTGGGGGCTGGGTCAGTGCTGACAGAGGGCGGGCGGGGTGAGCTCTT-3'
Protein context (NP_002519.2, residues 256-276): AALEEWLPRE[Leu266Pro]WHEINGLLVG

ClinVar aggregate classification (germline): Uncertain significance. Review status: criteria provided, multiple submitters, no conflicts (2 of 4 stars). 4 submissions from 4 submitters: Uncertain significance (4). Last evaluated 2026-01-12.

Conditions:
Hereditary cancer-predisposing syndrome. Also called: Tumor predisposition; Neoplastic Syndromes, Hereditary; Hereditary Cancer Syndrome; Hereditary neoplastic syndrome. Identifiers: Orphanet 140162, MedGen C0027672, MeSH D009386, MONDO:0015356.
Familial adenomatous polyposis 3. Also called: NTHL1-Related Adenomatous Polyposis and Colorectal Cancer; NTHL1-associated polyposis; NTHL1-related attenuated familial adenomatous polyposis; NTHL1 Tumor Syndrome. Identifiers: Orphanet 220460, Orphanet 454840, MedGen C4225157, MONDO:0014630, OMIM 616415.

gnomAD v4.1: 13 of 1,612,204 alleles (0.00081%); highest among the groups gnomAD compares: Non-Finnish European, 0.000085%; no homozygotes.

Submissions (4):

Labcorp Genetics (formerly Invitae), Labcorp
Classification: Uncertain significance. Last evaluated: 2026-01-12. Review status: criteria provided, single submitter. Criteria: Invitae Variant Classification Sherloc (09022015). Collection method: clinical testing. Allele origin: germline.
Comment: This sequence change replaces leucine, which is neutral and non-polar, with proline, which is neutral and non-polar, at codon 274 of the NTHL1 protein (p.Leu274Pro). This variant is present in population databases (rs763770399, gnomAD 0.07%). This variant has not been reported in the literature in individuals affected with NTHL1-related conditions. ClinVar contains an entry for this variant (Variation ID: 649703). An algorithm developed to predict the effect of missense changes on protein structure and function (PolyPhen-2) suggests that this variant is likely to be tolerated. In summary, the available evidence is currently insufficient to determine the role of this variant in disease. Therefore, it has been classified as a Variant of Uncertain Significance.

Quest Diagnostics Nichols Institute San Juan Capistrano
Classification: Uncertain significance. Last evaluated: 2025-11-08. Review status: criteria provided, single submitter. Criteria: Quest Diagnostics criteria. Collection method: clinical testing. Allele origin: unknown.
Comment: The NTHL1 c.821T>C (p.Leu274Pro) variant has not been reported in individuals with NTHL1-related conditions in the published literature. The frequency of this variant in the general population (Genome Aggregation Database) is uninformative in the assessment of its pathogenicity. Analysis of this variant using bioinformatics tools for the prediction of the effect of amino acid changes on protein structure and function yielded predictions that this variant is damaging. Based on the available information, we are unable to determine the clinical significance of this variant.

Ambry Genetics
Classification: Uncertain significance for Hereditary cancer-predisposing syndrome. Last evaluated: 2024-07-10. Review status: criteria provided, single submitter. Criteria: Ambry Variant Classification Scheme 2023. Collection method: clinical testing. Allele origin: germline.
Comment: The p.L274P variant (also known as c.821T>C), located in coding exon 6 of the NTHL1 gene, results from a T to C substitution at nucleotide position 821. The leucine at codon 274 is replaced by proline, an amino acid with similar properties. This amino acid position is highly conserved in available vertebrate species. In addition, this alteration is predicted to be deleterious by in silico analysis. Since supporting evidence is limited at this time, the clinical significance of this alteration remains unclear.

Baylor Genetics
Classification: Uncertain significance for Familial adenomatous polyposis 3. Last evaluated: 2023-11-23. Review status: criteria provided, single submitter. Criteria: ACMG Guidelines, 2015. Collection method: clinical testing. Allele origin: unknown.